The following is an entry in ClinVar:

NM_001367624.2(ZNF469):c.10579C>G (p.Leu3527Val)

Gene: ZNF469 (zinc finger protein 469; plus strand). Cytogenetic location: 16q24.2.
Variant type: single nucleotide variant.
Coding change: c.10579C>G on transcript NM_001367624.2 (MANE Select); coding-DNA position 10579, C replaced by G.
Protein change: p.Leu3527Val; replaces leucine 3527 with valine.
Molecular consequence: missense variant.
Genome position (GRCh38, 1-based): chr16:88,438,049, C>G. VCF-style: chr16-88438049-C-G. GRCh37 (hg19) VCF-style: chr16-88504457-C-G.
Other names: NM_001127464.1:c.10495C>G; short protein forms L3527V.
Identifiers: ClinVar variation 3821122 (VCV003821122.1).

ClinVar aggregate classification (germline): Uncertain significance (1 of 4 stars; one submission).

Conditions:
Cardiovascular phenotype. Identifiers: MedGen CN230736.

Submission:

Ambry Genetics
Classification: Uncertain significance for Cardiovascular phenotype. Last evaluated: 2025-01-21. Review status: criteria provided, single submitter. Criteria: Ambry Variant Classification Scheme 2023. Collection method: clinical testing. Allele origin: germline.
Comment: The p.L3499V variant (also known as c.10495C>G), located in coding exon 2 of the ZNF469 gene, results from a C to G substitution at nucleotide position 10495. The leucine at codon 3499 is replaced by valine, an amino acid with highly similar properties. This amino acid position is conserved. In addition, this alteration is predicted to be tolerated by in silico analysis. Based on the available evidence, the clinical significance of this variant remains unclear.